The following is an entry in ClinVar:

ClinVar aggregate classification (germline): Pathogenic (1 of 4 stars; one submission).

Conditions:
Developmental and epileptic encephalopathy, 9 (DEE9). Also called: JUBERG-HELLMAN SYNDROME; EPILEPSY, FEMALE-RESTRICTED, WITH MENTAL RETARDATION; Early infantile epileptic encephalopathy 9; PCDH19-Related X-Linked Female-Limited Epilepsy with Mental Retardation. Identifiers: Orphanet 101039, Orphanet 2076, MedGen C1848137, MONDO:0010246, OMIM 300088. Disease mechanism: loss of function.

Submission:

Labcorp Genetics (formerly Invitae), Labcorp
Classification: Pathogenic for Developmental and epileptic encephalopathy, 9. Last evaluated: 2024-12-16. Review status: criteria provided, single submitter. Criteria: Invitae Variant Classification Sherloc (09022015). Collection method: clinical testing. Allele origin: germline.
Comment: This sequence change creates a premature translational stop signal (p.Gln459*) in the PCDH19 gene. It is expected to result in an absent or disrupted protein product. Loss-of-function variants in PCDH19 are known to be pathogenic (PMID: 21053371). This variant is not present in population databases (gnomAD no frequency). This premature translational stop signal has been observed in individual(s) with intellectual disability and epilepsy (PMID: 27527380). In at least one individual the variant was observed to be de novo. ClinVar contains an entry for this variant (Variation ID: 1458031). For these reasons, this variant has been classified as Pathogenic.

Literature cited by the submitters: PubMed 21053371; PubMed 27527380.

NM_001184880.2(PCDH19):c.1375C>T (p.Gln459Ter)

Gene: PCDH19 (protocadherin 19; minus strand). Cytogenetic location: Xq22.1.
Variant type: single nucleotide variant.
Coding change: c.1375C>T on transcript NM_001184880.2 (MANE Select); coding-DNA position 1375, C replaced by T.
Protein change: p.Gln459Ter; replaces glutamine 459 with a stop codon.
Molecular consequence: nonsense.
Genome position (GRCh38, 1-based): chrX:100,407,223, G>A on the plus strand (C>T on the coding strand, the complement: PCDH19 is on the minus strand). VCF-style: chrX-100407223-G-A. GRCh37 (hg19) VCF-style: chrX-99662221-G-A.
Other names: c.1375C>T, p.Gln459Ter (NM_001105243.2, NM_020766.3); short protein forms Q459*.
Identifiers: ClinVar variation 1458031 (VCV001458031.8), dbSNP rs2147538918, ClinGen allele CA414002861.